The following is an entry in ClinVar:

NM_006268.5(DPF2):c.155A>G (p.Asn52Ser)

Gene: DPF2 (double PHD fingers 2; plus strand). Cytogenetic location: 11q13.1.
Variant type: single nucleotide variant.
Coding change: c.155A>G on transcript NM_006268.5 (MANE Select); coding-DNA position 155, A replaced by G.
Protein change: p.Asn52Ser; replaces asparagine 52 with serine.
Molecular consequence: missense variant.
Genome position (GRCh38, 1-based): chr11:65,340,507, A>G. VCF-style: chr11-65340507-A-G. GRCh37 (hg19) VCF-style: chr11-65107978-A-G.
Other names: c.155A>G, p.Asn52Ser (NM_001330308.2); short protein forms N52S.
Identifiers: ClinVar variation 1969301 (VCV001969301.5), dbSNP rs763960510, ClinGen allele CA6095181.

ClinVar aggregate classification (germline): Uncertain significance (1 of 4 stars; one submission).

Allele frequency attached by ClinVar (database versions not stated): TOPMed 0.00001; gnomAD 0.00002; ExAC 0.00001; gnomAD exomes 0.00001.

Submission:

Labcorp Genetics (formerly Invitae), Labcorp
Classification: Uncertain significance. Last evaluated: 2025-10-17. Review status: criteria provided, single submitter. Criteria: Invitae Variant Classification Sherloc (09022015). Collection method: clinical testing. Allele origin: germline.
Comment: This sequence change replaces asparagine, which is neutral and polar, with serine, which is neutral and polar, at codon 52 of the DPF2 protein (p.Asn52Ser). This variant is present in population databases (rs763960510, gnomAD 0.003%). This variant has not been reported in the literature in individuals affected with DPF2-related conditions. ClinVar contains an entry for this variant (Variation ID: 1969301). An algorithm developed to predict the effect of missense changes on protein structure and function (PolyPhen-2) suggests that this variant is likely to be disruptive. In summary, the available evidence is currently insufficient to determine the role of this variant in disease. Therefore, it has been classified as a Variant of Uncertain Significance.